The following is an entry in ClinVar:

NM_000059.4(BRCA2):c.4906A>G (p.Lys1636Glu)

Gene: BRCA2 (BRCA2 DNA repair associated; plus strand). Cytogenetic location: 13q13.1.
Variant type: single nucleotide variant.
Coding change: c.4906A>G on transcript NM_000059.4 (MANE Select); coding-DNA position 4906, A replaced by G.
Protein change: p.Lys1636Glu; replaces lysine 1636 with glutamic acid.
Molecular consequence: missense variant.
Genome position (GRCh38, 1-based): chr13:32,339,261, A>G. VCF-style: chr13-32339261-A-G. GRCh37 (hg19) VCF-style: chr13-32913398-A-G.
Other names: 5134A>G; short protein forms K1636E.
Identifiers: ClinVar variation 91829 (VCV000091829.24), dbSNP rs398122788, ClinGen allele CA020993.
Genomic context (GRCh38, chr13:32,339,261, plus strand): 5'-TTAAGTGATAATTTATGTAGACAAACTGAAAATCTCAAAACATCAAAAAGTATCTTTTTG[A>G]AAGTTAAAGTACATGAAAATGTAGAAAAAGAAACAGCAAAAAGTCCTGCAACTTGTTACA-3'
Protein context (NP_000050.3, residues 1626-1646): NLKTSKSIFL[Lys1636Glu]VKVHENVEKE

ClinVar aggregate classification (germline): Conflicting classifications of pathogenicity. Review status: criteria provided, conflicting classifications (1 of 4 stars). 7 submissions from 7 submitters: Uncertain significance (5); Likely benign (1). 1 of the submissions does not count toward it. Last evaluated 2025-12-12.

Conditions:
Hereditary cancer-predisposing syndrome. Also called: Tumor predisposition; Hereditary Cancer Syndrome; Neoplastic Syndromes, Hereditary; Hereditary neoplastic syndrome. Identifiers: Orphanet 140162, MedGen C0027672, MeSH D009386, MONDO:0015356.
Hereditary breast ovarian cancer syndrome. Also called: Breast and ovarian cancer; Hereditary breast and ovarian cancer; Hereditary breast and ovarian cancer syndrome; BRCA1- and BRCA2-Associated Hereditary Breast and Ovarian Cancer; Hereditary breast and ovarian cancer syndrome (HBOC); Hereditary breast and/or ovarian cancer syndrome. Identifiers: Orphanet 145, MedGen C0677776, MeSH D061325, MONDO:0003582. Disease mechanism: loss of function.
Breast neoplasm. Also called: Neoplasm of breast; Breast tumor; Neoplasm of the breast; Breast Neoplasms. Identifiers: MedGen C1458155, MeSH D001943, MONDO:0021100, HP:0100013. Disease mechanism: gain of function.
Breast-ovarian cancer, familial, susceptibility to, 2 (BROVCA2). Also called: BRCA2 Hereditary Breast and Ovarian Cancer. Identifiers: Orphanet 145, MedGen C2675520, MONDO:0012933, OMIM 612555. Disease mechanism: loss of function.

Allele frequency attached by ClinVar (database versions not stated): ExAC 0.00001; gnomAD exomes 0.00001 and 0.00002.
gnomAD v4.1: 5 of 1,612,200 alleles (0.00031%); highest among the groups gnomAD compares: Admixed American, 0.0084%; no homozygotes.

Submissions (7):

Labcorp Genetics (formerly Invitae), Labcorp
Classification: Uncertain significance for Hereditary breast ovarian cancer syndrome. Last evaluated: 2025-12-12. Review status: criteria provided, single submitter. Criteria: Invitae Variant Classification Sherloc (09022015). Collection method: clinical testing. Allele origin: germline.
Comment: This sequence change replaces lysine, which is basic and polar, with glutamic acid, which is acidic and polar, at codon 1636 of the BRCA2 protein (p.Lys1636Glu). This variant is present in population databases (rs398122788, gnomAD 0.02%). This missense change has been observed in individual(s) with breast and/or ovarian cancer (PMID: 27257965, 30702160). ClinVar contains an entry for this variant (Variation ID: 91829). Invitae Evidence Modeling of protein sequence and biophysical properties (such as structural, functional, and spatial information, amino acid conservation, physicochemical variation, residue mobility, and thermodynamic stability) indicates that this missense variant is not expected to disrupt BRCA2 protein function with a negative predictive value of 95%. In summary, the available evidence is currently insufficient to determine the role of this variant in disease. Therefore, it has been classified as a Variant of Uncertain Significance.

Quest Diagnostics Nichols Institute San Juan Capistrano
Classification: Uncertain significance. Last evaluated: 2025-01-29. Review status: criteria provided, single submitter. Criteria: Quest Diagnostics criteria. Collection method: clinical testing. Allele origin: unknown.
Comment: The BRCA2 c.4906A>G (p.Lys1636Glu) variant has been reported in the published literature in individuals with breast cancer (PMID: 27257965 (2016) and 30702160 (2019)). This variant has also been described to be located in a region of the BRCA2 gene that is tolerant to missense sequence changes (PMID: 31911673 (2020)). The frequency of this variant in the general population (Genome Aggregation Database) is uninformative in the assessment of its pathogenicity. Analysis of this variant using bioinformatics tools for the prediction of the effect of amino acid changes on protein structure and function yielded predictions that this variant is benign. Based on the available information, we are unable to determine the clinical significance of this variant.

Ambry Genetics
Classification: Uncertain significance for Hereditary cancer-predisposing syndrome. Last evaluated: 2024-08-30. Review status: criteria provided, single submitter. Criteria: Ambry Variant Classification Scheme 2023. Collection method: clinical testing. Allele origin: germline.
Comment: The p.K1636E variant (also known as c.4906A>G), located in coding exon 10 of the BRCA2 gene, results from an A to G substitution at nucleotide position 4906. The lysine at codon 1636 is replaced by glutamic acid, an amino acid with similar properties. This alteration was identified in 1/507 unselected Chinese breast cancer patients (Zhong X et al. PLoS One, 2016 Jun;11:e0156789). This amino acid position is not well conserved in available vertebrate species, and glutamic acid is the reference amino acid in other vertebrate species. In addition, this alteration is predicted to be tolerated by in silico analysis. Based on the available evidence, the clinical significance of this variant remains unclear.

University of Washington Department of Laboratory Medicine, University of Washington
Classification: Likely benign for Hereditary cancer-predisposing syndrome. Last evaluated: 2023-03-23. Review status: criteria provided, single submitter. Criteria: Dines et al. (Genet Med. 2020). Collection method: curation. Allele origin: germline.
Comment: Missense variant in a coldspot region where missense variants are very unlikely to be pathogenic (PMID:31911673).

BRCA2 exon 11 coldspot. Reclassification based on statistical prior probability.

Color Diagnostics, LLC DBA Color Health
Classification: Uncertain significance for Hereditary cancer-predisposing syndrome. Last evaluated: 2021-12-21. Review status: criteria provided, single submitter. Criteria: ACMG Guidelines, 2015. Collection method: clinical testing. Allele origin: germline.
Comment: This missense variant replaces lysine with glutamic acid at codon 1636 of the BRCA2 protein. Computational prediction suggests that this variant may not impact protein structure and function (internally defined REVEL score threshold <= 0.5, PMID: 27666373). To our knowledge, functional studies have not been reported for this variant. This variant has been reported in an individual affected with breast cancer (PMID: 27257965). This variant has been identified in 6/248696 chromosomes in the general population by the Genome Aggregation Database (gnomAD). The available evidence is insufficient to determine the role of this variant in disease conclusively. Therefore, this variant is classified as a Variant of Uncertain Significance.

Laboratory of Molecular Diagnosis of Cancer, West China Hospital, Sichuan University
Classification: Uncertain significance for Breast neoplasm. Last evaluated: 2015-11-01. Review status: criteria provided, single submitter. Criteria: ACMG Guidelines, 2015. Collection method: research. Allele origin: germline. Affected: yes. Observed: 1 variant allele.

Sharing Clinical Reports Project (SCRP)
Classification: Uncertain significance for Breast-ovarian cancer, familial 2. Last evaluated: 2011-03-17. Review status: no assertion criteria provided. Collection method: clinical testing. Allele origin: germline. Not counted in ClinVar's aggregate classification.

Literature cited by the submitters: PubMed 27257965 (cited by 5 submitters); PubMed 30702160 (cited by Labcorp Genetics (formerly Invitae), Labcorp and Quest Diagnostics Nichols Institute San Juan Capistrano); PubMed 31825140 (cited by Quest Diagnostics Nichols Institute San Juan Capistrano); PubMed 38153744 (cited by Quest Diagnostics Nichols Institute San Juan Capistrano); PubMed 31911673 (cited by Quest Diagnostics Nichols Institute San Juan Capistrano).